The following is an entry in ClinVar:

ClinVar aggregate classification (germline): Uncertain significance (1 of 4 stars; one submission).

Allele frequency attached by ClinVar (database versions not stated): ESP Exome Variant Server 0.00009; gnomAD 0.00011; TOPMed 0.00011; gnomAD exomes 0.00029; ExAC 0.00051.
gnomAD v4.1: 369 of 1,395,630 alleles (0.026%); highest among the groups gnomAD compares: Non-Finnish European, 0.033%; no homozygotes.

Submission:

Labcorp Genetics (formerly Invitae), Labcorp
Classification: Uncertain significance. Last evaluated: 2024-07-02. Review status: criteria provided, single submitter. Criteria: Invitae Variant Classification Sherloc (09022015). Collection method: clinical testing. Allele origin: germline.
Comment: This sequence change replaces alanine, which is neutral and non-polar, with valine, which is neutral and non-polar, at codon 33 of the NAXD protein (p.Ala33Val). This variant is present in population databases (rs375795548, gnomAD 0.04%). This variant has not been reported in the literature in individuals affected with NAXD-related conditions. ClinVar contains an entry for this variant (Variation ID: 2170823). An algorithm developed to predict the effect of missense changes on protein structure and function (PolyPhen-2) suggests that this variant is likely to be tolerated. Algorithms developed to predict the effect of sequence changes on RNA splicing suggest that this variant may disrupt the consensus splice site. In summary, the available evidence is currently insufficient to determine the role of this variant in disease. Therefore, it has been classified as a Variant of Uncertain Significance.

NM_001242882.2(NAXD):c.46+125C>T

Genes: NAXD (NAD(P)HX dehydratase; plus strand), NAXD-AS1 (NAXD antisense RNA 1; minus strand), LOC130010118 (ATAC-STARR-seq lymphoblastoid silent region 5505; plus strand). Cytogenetic location: 13q34.
Variant type: single nucleotide variant.
Coding change: c.46+125C>T on transcript NM_001242882.2 (MANE Select); 125 bases into the intron after coding-DNA position 46, C replaced by T.
Molecular consequence: intron variant. On other transcripts: missense variant (2).
Genome position (GRCh38, 1-based): chr13:110,615,772, C>T. VCF-style: chr13-110615772-C-T. GRCh37 (hg19) VCF-style: chr13-111268119-C-T.
Other names: c.98C>T, p.Ala33Val (NM_001242881.2, NM_018210.4); c.56+125C>T (NM_001242883.2); short protein forms A33V.
Identifiers: ClinVar variation 2170823 (VCV002170823.4), dbSNP rs375795548, ClinGen allele CA7051013.